The following is an entry in ClinVar:

ClinVar aggregate classification (germline): Uncertain significance. Review status: criteria provided, multiple submitters, no conflicts (2 of 4 stars). 3 submissions from 3 submitters: Uncertain significance (3). Last evaluated 2024-05-08.

Conditions:
Isovaleryl-CoA dehydrogenase deficiency (IVA). Also called: Isovaleric acidemia; ISOVALERIC ACID CoA DEHYDROGENASE DEFICIENCY; Classic Isovaleric Acidemia; IVD DEFICIENCY. Identifiers: Orphanet 33, MedGen C0268575, MONDO:0009475, OMIM 243500.

Allele frequency attached by ClinVar (database versions not stated): gnomAD exomes below 0.00001; TOPMed below 0.00001; ExAC 0.00001; gnomAD 0.00001.
gnomAD v4.1: 2 of 1,611,454 alleles (0.00012%); highest among the groups gnomAD compares: Non-Finnish European, 0.00017%; no homozygotes.

Submissions (3):

Women's Health and Genetics/Laboratory Corporation of America, LabCorp
Classification: Uncertain significance. Last evaluated: 2024-05-08. Review status: criteria provided, single submitter. Criteria: LabCorp Variant Classification Summary - May 2015. Collection method: clinical testing. Allele origin: germline.

Labcorp Genetics (formerly Invitae), Labcorp
Classification: Uncertain significance for Isovaleryl-CoA dehydrogenase deficiency. Last evaluated: 2021-08-13. Review status: criteria provided, single submitter. Criteria: Invitae Variant Classification Sherloc (09022015). Collection method: clinical testing. Allele origin: germline.
Comment: This sequence change replaces leucine with valine at codon 45 of the IVD protein (p.Leu45Val). The leucine residue is highly conserved and there is a small physicochemical difference between leucine and valine. This variant is present in population databases (rs777674887, ExAC 0.002%). This variant has not been reported in the literature in individuals affected with IVD-related conditions. ClinVar contains an entry for this variant (Variation ID: 992290). Algorithms developed to predict the effect of missense changes on protein structure and function (SIFT, PolyPhen-2, Align-GVGD) all suggest that this variant is likely to be disruptive. Algorithms developed to predict the effect of sequence changes on RNA splicing suggest that this variant may create or strengthen a splice site. In summary, the available evidence is currently insufficient to determine the role of this variant in disease. Therefore, it has been classified as a Variant of Uncertain Significance.

Greenwood Genetic Center Diagnostic Laboratories, Greenwood Genetic Center
Classification: Uncertain significance. Last evaluated: 2020-10-13. Review status: criteria provided, single submitter. Criteria: ACMG Guidelines, 2015. Collection method: clinical testing. Allele origin: germline. Affected: yes.

NM_002225.5(IVD):c.124C>G (p.Leu42Val)

Gene: IVD (isovaleryl-CoA dehydrogenase; plus strand). Cytogenetic location: 15q15.1.
Variant type: single nucleotide variant.
Coding change: c.124C>G on transcript NM_002225.5 (MANE Select); coding-DNA position 124, C replaced by G.
Protein change: p.Leu42Val; replaces leucine 42 with valine.
Molecular consequence: missense variant. On other transcripts: 5 prime UTR variant (1), non-coding transcript variant (1).
Genome position (GRCh38, 1-based): chr15:40,405,951, C>G. VCF-style: chr15-40405951-C-G. GRCh37 (hg19) VCF-style: chr15-40698152-C-G.
Other names: c.124C>G, p.Leu42Val (NM_001159508.3, NM_001354598.3, NM_001354599.3 and 2 more transcripts); c.-304C>G (NM_001354597.3); short protein forms L42V.
Identifiers: ClinVar variation 992290 (VCV000992290.8), dbSNP rs777674887, ClinGen allele CA7480486.
Genomic context (GRCh38, chr15:40,405,951, plus strand): 5'-GCCGGCTTCGTTTCCCAGCGGGCCCACTCGCTTTTGCCCGTGGACGATGCAATCAATGGG[C>G]TAAGCGAGGAGCAGAGGCAGGTGAGGAGACTGACCCCCTTCCTGGCCCCAAGGCCTCCTT-3'
Protein context (NP_002216.3, residues 32-52): LLPVDDAING[Leu42Val]SEEQRQLRQT